The following is an entry in ClinVar:

ClinVar aggregate classification (germline): Uncertain significance. Review status: criteria provided, multiple submitters, no conflicts (2 of 4 stars). 7 submissions from 7 submitters: Uncertain significance (7). Last evaluated 2025-09-11.

Conditions:
Saldino-Mainzer syndrome (SRTD9). Also called: CONORENAL SYNDROME; SHORT-RIB THORACIC DYSPLASIA 9 WITHOUT POLYDACTYLY; short-rib thoracic dysplasia 9 with or without polydactyly; Renal dysplasia, retinal pigmentary dystrophy, cerebellar ataxia and skeletal dysplasia. Identifiers: Orphanet 140969, MedGen C1849437, MONDO:0009964, OMIM 266920.
Retinitis pigmentosa 80 (RP80). Identifiers: MedGen C4540439, MONDO:0054708, OMIM 617781.
Inborn genetic diseases. Identifiers: MedGen C0950123, MeSH D030342.

Allele frequency attached by ClinVar (database versions not stated): gnomAD exomes below 0.00001 and 0.00001; TOPMed below 0.00001; gnomAD 0.00001.
gnomAD v4.1: 14 of 1,614,016 alleles (0.00087%); highest among the groups gnomAD compares: Middle Eastern, 0.049%; no homozygotes.

Submissions (7):

Ambry Genetics
Classification: Uncertain significance for Inborn genetic diseases. Last evaluated: 2025-09-11. Review status: criteria provided, single submitter. Criteria: Ambry Variant Classification Scheme 2023. Collection method: clinical testing. Allele origin: germline.

Labcorp Genetics (formerly Invitae), Labcorp
Classification: Uncertain significance for Saldino-Mainzer syndrome. Last evaluated: 2024-11-05. Review status: criteria provided, single submitter. Criteria: Invitae Variant Classification Sherloc (09022015). Collection method: clinical testing. Allele origin: germline.
Comment: This sequence change replaces threonine, which is neutral and polar, with isoleucine, which is neutral and non-polar, at codon 520 of the IFT140 protein (p.Thr520Ile). This variant is present in population databases (no rsID available, gnomAD 0.007%). This variant has not been reported in the literature in individuals affected with IFT140-related conditions. ClinVar contains an entry for this variant (Variation ID: 497715). Invitae Evidence Modeling of protein sequence and biophysical properties (such as structural, functional, and spatial information, amino acid conservation, physicochemical variation, residue mobility, and thermodynamic stability) indicates that this missense variant is not expected to disrupt IFT140 protein function with a negative predictive value of 95%. In summary, the available evidence is currently insufficient to determine the role of this variant in disease. Therefore, it has been classified as a Variant of Uncertain Significance.

Blueprint Genetics
Classification: Uncertain significance. Last evaluated: 2023-09-18. Review status: criteria provided, single submitter. Criteria: ACMG Guidelines, 2015. Collection method: clinical testing. Allele origin: germline.

Fulgent Genetics
Classification: Uncertain significance for Saldino-Mainzer syndrome; Retinitis pigmentosa 80. Last evaluated: 2021-12-05. Review status: criteria provided, single submitter. Criteria: ACMG Guidelines, 2015. Collection method: clinical testing. Allele origin: unknown.

Illumina Laboratory Services, Illumina
Classification: Uncertain significance for Saldino-Mainzer syndrome. Last evaluated: 2018-01-13. Review status: criteria provided, single submitter. Criteria: ICSL Variant Classification Criteria 13 December 2019. Collection method: clinical testing. Allele origin: germline.

Eurofins Ntd Llc (ga)
Classification: Uncertain significance. Last evaluated: 2016-10-21. Review status: criteria provided, single submitter. Criteria: EGL Classification Definitions 2015. Collection method: clinical testing. Allele origin: germline. Observed: 1 variant allele, 1 heterozygote.

Breakthrough Genomics
Classification: Uncertain significance. Review status: criteria provided, single submitter. Criteria: ACMG Guidelines, 2015. Collection method: not provided. Allele origin: germline. Inheritance: Autosomal recessive inheritance. Affected: yes.

NM_014714.4(IFT140):c.1559C>T (p.Thr520Ile)

Gene: IFT140 (intraflagellar transport 140; minus strand). Cytogenetic location: 16p13.3.
Variant type: single nucleotide variant.
Coding change: c.1559C>T on transcript NM_014714.4 (MANE Select); coding-DNA position 1559, C replaced by T.
Protein change: p.Thr520Ile; replaces threonine 520 with isoleucine.
Molecular consequence: missense variant.
Genome position (GRCh38, 1-based): chr16:1,571,500, G>A on the plus strand (C>T on the coding strand, the complement: IFT140 is on the minus strand). VCF-style: chr16-1571500-G-A. GRCh37 (hg19) VCF-style: chr16-1621501-G-A.
Other names: short protein forms T520I.
Identifiers: ClinVar variation 497715 (VCV000497715.19), dbSNP rs1321089981, ClinGen allele CA394209406.